The following is an entry in ClinVar:

NM_000243.3(MEFV):c.2161T>C (p.Phe721Leu)

Genes: MEFV (MEFV innate immunity regulator, pyrin; minus strand), LOC126862264 (CDK7 strongly-dependent group 2 enhancer GRCh37_chr16:3293322-3294521; plus strand). Cytogenetic location: 16p13.3.
Variant type: single nucleotide variant.
Coding change: c.2161T>C on transcript NM_000243.3 (MANE Select); coding-DNA position 2161, T replaced by C.
Protein change: p.Phe721Leu; replaces phenylalanine 721 with leucine.
Molecular consequence: missense variant. On other transcripts: 3 prime UTR variant (1).
Genome position (GRCh38, 1-based): chr16:3,243,326, A>G on the plus strand (T>C on the coding strand, the complement: MEFV is on the minus strand). VCF-style: chr16-3243326-A-G. GRCh37 (hg19) VCF-style: chr16-3293326-A-G.
Other names: c.*365T>C (NM_001198536.2); short protein forms F721L.
Identifiers: ClinVar variation 3389094 (VCV003389094.14).
Genomic context (GRCh38, chr16:3,243,326, plus strand): 5'-AGATGTGGGATCTGGCTGTCACATTGTAAAAGGAGATGCTTCCAACTCTGTAGTCCACGA[A>G]GATGCCCACACGCTTGGGAGGCTCCTTTATTAGCAGGCGGGTCGGGGGAACGCTGGACGC-3'
Protein context (NP_000234.1, residues 711-731): IKEPPKRVGI[Phe721Leu]VDYRVGSISF

ClinVar aggregate classification (germline): Uncertain significance (1 of 4 stars; one submission).

gnomAD v4.1: 4 of 1,614,210 alleles (0.00025%); highest among the groups gnomAD compares: Non-Finnish European, 0.00034%; no homozygotes.

Submission:

CeGaT Center for Human Genetics Tuebingen
Classification: Uncertain significance. Last evaluated: 2024-09-01. Review status: criteria provided, single submitter. Criteria: CeGaT Center For Human Genetics Tuebingen Variant Classification Criteria Version 2. Collection method: clinical testing. Allele origin: germline. Affected: yes. Observed: 1 variant allele.
Comment: MEFV: PM2, BP4